The following is an entry in ClinVar:

NM_000037.4(ANK1):c.2797G>A (p.Gly933Ser)

Gene: ANK1 (ankyrin 1; minus strand). Cytogenetic location: 8p11.21.
Variant type: single nucleotide variant.
Coding change: c.2797G>A on transcript NM_000037.4 (MANE Select); coding-DNA position 2797, G replaced by A.
Protein change: p.Gly933Ser; replaces glycine 933 with serine.
Molecular consequence: missense variant.
Genome position (GRCh38, 1-based): chr8:41,696,526, C>T on the plus strand (G>A on the coding strand, the complement: ANK1 is on the minus strand). VCF-style: chr8-41696526-C-T. GRCh37 (hg19) VCF-style: chr8-41554044-C-T.
Other names: c.2920G>A, p.Gly974Ser (NM_001142446.2); c.2797G>A, p.Gly933Ser (NM_020475.3, NM_020476.3, NM_020477.3); c.2797G>A (NM_000037.3); short protein forms G933S, G974S.
Identifiers: ClinVar variation 2630217 (VCV002630217.2), dbSNP rs756609009, ClinGen allele CA4728081.
Genomic context (GRCh38, chr8:41,696,526, plus strand): 5'-GGCGGCAGGTGATGCGGGTGGGCGCTGCGCACGTCCGTGGCGGGATCACCACTCGCAGGC[C>T]GTTGTGGCGACTTCCTCTCATGGAACCACCCCGGGCGTCAACCATGAAGCTCACCAGAAA-3'
Protein context (NP_000028.3, residues 923-943): GGSMRGSRHN[Gly933Ser]LRVVIPPRTC

ClinVar aggregate classification (germline): Uncertain significance. Review status: criteria provided, multiple submitters, no conflicts (2 of 4 stars). 2 submissions from 2 submitters: Uncertain significance (2). Last evaluated 2024-11-21.

Conditions:
ANK1-related disorder. Also called: ANK1-related condition.
Inborn genetic diseases. Identifiers: MedGen C0950123, MeSH D030342.

Allele frequency attached by ClinVar (database versions not stated): gnomAD 0.00001; gnomAD exomes 0.00001; TOPMed 0.00001; ExAC 0.00002.
gnomAD v4.1: 16 of 1,613,636 alleles (0.00099%); highest among the groups gnomAD compares: East Asian, 0.0045%; no homozygotes.

Submissions (2):

Ambry Genetics
Classification: Uncertain significance for Inborn genetic diseases. Last evaluated: 2024-11-21. Review status: criteria provided, single submitter. Criteria: Ambry Variant Classification Scheme 2023. Collection method: clinical testing. Allele origin: germline.

PreventionGenetics, part of Exact Sciences
Classification: Uncertain significance for ANK1-related condition. Last evaluated: 2023-02-14. Review status: criteria provided, single submitter. Criteria: ACMG Guidelines, 2015. Collection method: clinical testing. Allele origin: germline.
Comment: The ANK1 c.2797G>A variant is predicted to result in the amino acid substitution p.Gly933Ser. To our knowledge, this variant has not been reported in the literature. This variant is reported in 0.0054% of alleles in individuals of East Asian descent in gnomAD. At this time, the clinical significance of this variant is uncertain due to the absence of conclusive functional and genetic evidence.